The following is an entry in ClinVar:

NM_173689.7(CRB2):c.2904_2905insGCCACCTCGCGCTGGCT (p.Thr969fs)

Gene: CRB2 (crumbs cell polarity complex component 2; plus strand). Cytogenetic location: 9q33.3.
Variant type: Insertion.
Coding change: c.2904_2905insGCCACCTCGCGCTGGCT on transcript NM_173689.7 (MANE Select); coding-DNA positions 2904 to 2905, GCCACCTCGCGCTGGCT inserted.
Protein change: p.Thr969fs; shifts the reading frame from threonine 969.
Molecular consequence: frameshift variant. On other transcripts: non-coding transcript variant (1).
Genome position: GRCh38 VCF-style: chr9-123373435-C-CGCCACCTCGCGCTGGCT. GRCh37 (hg19) VCF-style: chr9-126135714-C-CGCCACCTCGCGCTGGCT.
Other names: short protein forms T969fs.
Identifiers: ClinVar variation 2034504 (VCV002034504.4), dbSNP rs2550688194, ClinGen allele CA2580079538.
Genomic context (GRCh38, chr9:123,373,435, plus strand): 5'-GCCGCGCGTGGCCGATGGTGCCTGGCACCGCGTGCGTCTGGCCATGGAGCGCCCGGCGGC[C>CGCCACCTCGCGCTGGCT]ACCACCTCGCGCTGGCTGCTGTGGCTGGATGGTGCCGCCACCCCGGTGGCGCTGCGCGGC-3'

ClinVar aggregate classification (germline): Pathogenic (1 of 4 stars; one submission).

Submission:

Labcorp Genetics (formerly Invitae), Labcorp
Classification: Pathogenic. Last evaluated: 2021-12-06. Review status: criteria provided, single submitter. Criteria: Invitae Variant Classification Sherloc (09022015). Collection method: clinical testing. Allele origin: germline.
Comment: For these reasons, this variant has been classified as Pathogenic. This variant has not been reported in the literature in individuals affected with CRB2-related conditions. This variant is not present in population databases (gnomAD no frequency). This sequence change creates a premature translational stop signal (p.Thr969Alafs*178) in the CRB2 gene. It is expected to result in an absent or disrupted protein product. Loss-of-function variants in CRB2 are known to be pathogenic (PMID: 27942854, 30212996).

Literature cited by the submitters: PubMed 27942854; PubMed 30212996.